The following is an entry in ClinVar:

ClinVar aggregate classification (germline): Uncertain significance (1 of 4 stars; one submission).

Submission:

GeneDx
Classification: Uncertain significance. Last evaluated: 2023-12-27. Review status: criteria provided, single submitter. Criteria: GeneDx Variant Classification Process June 2021. Collection method: clinical testing. Allele origin: germline. Affected: yes.
Comment: Not observed at significant frequency in large population cohorts (gnomAD); In silico analysis supports that this missense variant has a deleterious effect on protein structure/function; Has not been previously published as pathogenic or benign to our knowledge

NM_018060.4(IARS2):c.2806G>T (p.Ala936Ser)

Gene: IARS2 (isoleucyl-tRNA synthetase 2, mitochondrial; plus strand). Cytogenetic location: 1q41.
Variant type: single nucleotide variant.
Coding change: c.2806G>T on transcript NM_018060.4 (MANE Select); coding-DNA position 2806, G replaced by T.
Protein change: p.Ala936Ser; replaces alanine 936 with serine.
Molecular consequence: missense variant.
Genome position (GRCh38, 1-based): chr1:220,145,563, G>T. VCF-style: chr1-220145563-G-T. GRCh37 (hg19) VCF-style: chr1-220318905-G-T.
Other names: short protein forms A936S.
Identifiers: ClinVar variation 3370088 (VCV003370088.1).